The following is an entry in ClinVar:

ClinVar aggregate classification (germline): Benign. Review status: criteria provided, multiple submitters, no conflicts (2 of 4 stars). 3 submissions from 2 submitters: Benign (3). Last evaluated 2018-01-13.

Conditions:
Liddle syndrome 2. Identifiers: MedGen C4748251, MONDO:0020854, OMIM 618114.
Pseudohypoaldosteronism, type IB1, autosomal recessive. Also called: Pseudohypoaldosteronism, Type I, Autosomal Recessive; PHA I, AUTOSOMAL RECESSIVE; Pseudohypoaldosteronism, Type I, Recessive; Autosomal recessive pseudohypoaldosteronism type 1. Identifiers: Orphanet 171876, Orphanet 756, MedGen C5774176, MONDO:0009917, OMIM 264350.

Allele frequency attached by ClinVar (database versions not stated): gnomAD 0.00016 and 0.00361; TOPMed 0.00065; gnomAD exomes 0.00662; 1000 Genomes Project 30x 0.02249; 1000 Genomes Project 0.02276.
gnomAD v4.1: 8,726 of 1,396,626 alleles (0.62%); highest among the groups gnomAD compares: South Asian, 9.7%; 522 homozygotes.

Submissions (3):

Illumina Laboratory Services, Illumina
Classification: Benign for Liddle syndrome 2. Last evaluated: 2018-01-13. Review status: criteria provided, single submitter. Criteria: ICSL Variant Classification Criteria 13 December 2019. Collection method: clinical testing. Allele origin: germline.
Comment: This variant was observed in the ICSL laboratory as part of a predisposition screen in an ostensibly healthy population. It had not been previously curated by ICSL or reported in the Human Gene Mutation Database (HGMD: prior to June 1st, 2018), and was therefore a candidate for classification through an automated scoring system. Utilizing variant allele frequency, disease prevalence and penetrance estimates, and inheritance mode, an automated score was calculated to assess if this variant is too frequent to cause the disease. Based on the score and internal cut-off values, a variant classified as benign is not then subjected to further curation. The score for this variant resulted in a classification of benign for this disease.

Illumina Laboratory Services, Illumina
Classification: Benign for Pseudohypoaldosteronism, type IB1, autosomal recessive. Last evaluated: 2018-01-13. Review status: criteria provided, single submitter. Criteria: ICSL Variant Classification Criteria 13 December 2019. Collection method: clinical testing. Allele origin: germline.
Comment: the same text as in the submission from Illumina Laboratory Services, Illumina above.

Breakthrough Genomics
Classification: Benign. Review status: criteria provided, single submitter. Criteria: ACMG Guidelines, 2015. Collection method: not provided. Allele origin: germline. Inheritance: Autosomal dominant inheritance. Affected: yes.

NM_001039.4(SCNN1G):c.*106G>A

Gene: SCNN1G (sodium channel epithelial 1 subunit gamma; plus strand). Cytogenetic location: 16p12.2.
Variant type: single nucleotide variant.
Coding change: c.*106G>A on transcript NM_001039.4 (MANE Select); 106 bases downstream of the stop codon, G replaced by A.
Molecular consequence: 3 prime UTR variant.
Genome position (GRCh38, 1-based): chr16:23,215,575, G>A. VCF-style: chr16-23215575-G-A. GRCh37 (hg19) VCF-style: chr16-23226896-G-A.
Identifiers: ClinVar variation 318361 (VCV000318361.6), dbSNP rs550094178, ClinGen allele CA10643186.
Genomic context (GRCh38, chr16:23,215,575, plus strand): 5'-CTAAGGACATGGATCGGGTGCCCCCAGACGTGTGCACAGGGGACCCTCTGCCCCACTCTG[G>A]GCTTTTCAGATACTCTGACCAAAAAGCCTGCTTTAAACCGCAAGATGGGGCCTGGGCATG-3'